The following is an entry in ClinVar:

NM_001112741.2(KCNC1):c.11G>A (p.Gly4Glu)

Gene: KCNC1 (potassium voltage-gated channel subfamily C member 1; plus strand). Cytogenetic location: 11p15.1.
Variant type: single nucleotide variant.
Coding change: c.11G>A on transcript NM_001112741.2 (MANE Select); coding-DNA position 11, G replaced by A.
Protein change: p.Gly4Glu; replaces glycine 4 with glutamic acid.
Molecular consequence: missense variant.
Genome position (GRCh38, 1-based): chr11:17,736,013, G>A. VCF-style: chr11-17736013-G-A. GRCh37 (hg19) VCF-style: chr11-17757560-G-A.
Other names: c.11G>A, p.Gly4Glu (NM_004976.4); short protein forms G4E.
Identifiers: ClinVar variation 931566 (VCV000931566.3), dbSNP rs1848761561, ClinGen allele CA379798364.

ClinVar aggregate classification (germline): Uncertain significance (1 of 4 stars; one submission).

Conditions:
Progressive myoclonic epilepsy type 7. Identifiers: Orphanet 435438, MedGen C4015420, MONDO:0014521, OMIM 616187.

Submission:

Centre for Mendelian Genomics, University Medical Centre Ljubljana
Classification: Uncertain significance for Progressive myoclonic epilepsy type 7. Last evaluated: 2019-06-22. Review status: criteria provided, single submitter. Criteria: ACMG Guidelines, 2015. Collection method: clinical testing. Allele origin: unknown. Affected: yes.
Comment: This variant was classified as: Uncertain significance. The available evidence on this variant's pathogenicity is insufficient or conflicting. The following ACMG criteria were applied in classifying this variant: PM2,PP2,PP3.